The following is an entry in ClinVar:

ClinVar aggregate classification (germline): Uncertain significance (1 of 4 stars; one submission).

Conditions:
Emery-Dreifuss muscular dystrophy 4, autosomal dominant (EDMD4). Also called: EMERY-DREIFUSS MUSCULAR DYSTROPHY 4 WITH VARIABLE FEATURES. Identifiers: Orphanet 261, MedGen C2751807, MONDO:0013071, OMIM 612998.
Autosomal recessive ataxia, Beauce type. Also called: SYNE1-Related Autosomal Recessive Cerebellar Ataxia; Spinocerebellar ataxia, autosomal recessive 8; ATAXIA, RECESSIVE, OF BEAUCE; SYNE1 Deficiency. Identifiers: Orphanet 88644, MedGen C1853116, MONDO:0012549, OMIM 610743.

Submission:

Labcorp Genetics (formerly Invitae), Labcorp
Classification: Uncertain significance for Emery-Dreifuss muscular dystrophy 4, autosomal dominant; Autosomal recessive ataxia, Beauce type. Last evaluated: 2021-08-19. Review status: criteria provided, single submitter. Criteria: Invitae Variant Classification Sherloc (09022015). Collection method: clinical testing. Allele origin: germline.
Comment: In summary, the available evidence is currently insufficient to determine the role of this variant in disease. Therefore, it has been classified as a Variant of Uncertain Significance. Algorithms developed to predict the effect of missense changes on protein structure and function are either unavailable or do not agree on the potential impact of this missense change (SIFT: "Deleterious"; PolyPhen-2: "Probably Damaging"; Align-GVGD: "Class C0"). This variant has not been reported in the literature in individuals affected with SYNE1-related conditions. This variant is not present in population databases (ExAC no frequency). This sequence change replaces threonine with proline at codon 8054 of the SYNE1 protein (p.Thr8054Pro). The threonine residue is highly conserved and there is a small physicochemical difference between threonine and proline.

NM_182961.4(SYNE1):c.24373A>C (p.Thr8125Pro)

Gene: SYNE1 (spectrin repeat containing nuclear envelope protein 1; minus strand). Cytogenetic location: 6q25.2.
Variant type: single nucleotide variant.
Coding change: c.24373A>C on transcript NM_182961.4 (MANE Select); coding-DNA position 24373, A replaced by C.
Protein change: p.Thr8125Pro; replaces threonine 8125 with proline.
Molecular consequence: missense variant.
Genome position (GRCh38, 1-based): chr6:152,151,630, T>G on the plus strand (A>C on the coding strand, the complement: SYNE1 is on the minus strand). VCF-style: chr6-152151630-T-G. GRCh37 (hg19) VCF-style: chr6-152472765-T-G.
Other names: c.979A>C, p.Thr327Pro (NM_001347701.2); c.838A>C, p.Thr280Pro (NM_001347702.2); c.24160A>C, p.Thr8054Pro (NM_033071.5); short protein forms T280P, T8125P, T327P, T8054P.
Identifiers: ClinVar variation 1376241 (VCV001376241.6), dbSNP rs2152915749, ClinGen allele CA366086679.
Genomic context (GRCh38, chr6:152,151,630, plus strand): 5'-TAGCTTGAACATCACACTCAGAAAAATGTTCAATATTAGTGAGCTGCAGATCCATCTCTG[T>G]GAGCCAGACCAGAATGCTGTCCCGCGCAGTCTCAAACTCCTCACGCTGGCCAATAAAATG-3'
Protein context (NP_892006.3, residues 8115-8135): TARDSILVWL[Thr8125Pro]EMDLQLTNIE